The following is an entry in ClinVar:

ClinVar aggregate classification (germline): Pathogenic/Likely pathogenic. Review status: criteria provided, multiple submitters, no conflicts (2 of 4 stars). 2 submissions from 2 submitters: Pathogenic (1); Likely pathogenic (1). Last evaluated 2023-05-02.

Submissions (2):

Athena Diagnostics
Classification: Pathogenic. Last evaluated: 2023-05-02. Review status: criteria provided, single submitter. Criteria: Athena Diagnostics Criteria. Collection method: clinical testing. Allele origin: unknown.
Comment: This variant is expected to severely impact normal RNA splicing, and consequently, protein structure and/or function. This variant has been identified in at least one individual with clinical features associated with this gene. This variant has not been reported in large, multi-ethnic general populations.

Eurofins Ntd Llc (ga)
Classification: Likely pathogenic. Last evaluated: 2017-12-05. Review status: criteria provided, single submitter. Criteria: EGL Classification Definitions 2015. Collection method: clinical testing. Allele origin: germline. Observed: 1 variant allele, 1 heterozygote.

NM_030962.4(SBF2):c.619+1G>A

Gene: SBF2 (SET binding factor 2; minus strand). Cytogenetic location: 11p15.4.
Variant type: single nucleotide variant.
Coding change: c.619+1G>A on transcript NM_030962.4 (MANE Select); the canonical splice donor site of the intron after coding-DNA position 619, G replaced by A.
Molecular consequence: splice donor variant.
Genome position (GRCh38, 1-based): chr11:10,028,451, C>T on the plus strand (G>A on the coding strand, the complement: SBF2 is on the minus strand). VCF-style: chr11-10028451-C-T. GRCh37 (hg19) VCF-style: chr11-10049998-C-T.
Other names: c.619+1G>A (NM_001386342.1, NM_001386339.1, NM_030962.3).
Identifiers: ClinVar variation 595278 (VCV000595278.6), dbSNP rs1565150234, ClinGen allele CA379645780.
Genomic context (GRCh38, chr11:10,028,451, plus strand): 5'-AATAAATCCTTTAATCATAGGCTTCTACAAGATGACATTGAAAATGGGAGAAAAGACATA[C>T]CCAATTGCTGGAACAGGAGAGCCACACTAGTGCCCGTGATAGGAAGACTATCATGTAAAG-3'